The following is an entry in ClinVar:

NC_000010.10:g.(?_97366519)_(97626140_?)del

Genes: ALDH18A1 (aldehyde dehydrogenase 18 family member A1; minus strand), ENTPD1 (ectonucleoside triphosphate diphosphohydrolase 1; plus strand), TCTN3 (tectonic family member 3; minus strand). Cytogenetic location: 10q24.1.
Variant type: Deletion.
Identifiers: ClinVar variation 3244833 (VCV003244833.1).

ClinVar aggregate classification (germline): Pathogenic (1 of 4 stars; one submission).

Conditions:
de Barsy syndrome. Also called: Cutis laxa-corneal clouding-oligophrenia syndrome. Identifiers: Orphanet 2962, MedGen C0268354, MONDO:0017569.
Cutis laxa, autosomal dominant 3 (ADCL3). Identifiers: Orphanet 90348, MedGen C4225268, MONDO:0014706, OMIM 616603.
Autosomal dominant spastic paraplegia type 9. Identifiers: MedGen C1832669, MONDO:0015091.

Submission:

Labcorp Genetics (formerly Invitae), Labcorp
Classification: Pathogenic for Autosomal dominant spastic paraplegia type 9; de Barsy syndrome; Cutis laxa, autosomal dominant 3. Last evaluated: 2022-11-06. Review status: criteria provided, single submitter. Criteria: Invitae Variant Classification Sherloc (09022015). Collection method: clinical testing. Allele origin: unknown.
Comment: For these reasons, this variant has been classified as Pathogenic. This variant has not been reported in the literature in individuals affected with ALDH18A1-related conditions. A gross deletion of the genomic region encompassing the full coding sequence of the ALDH18A1 gene has been identified. Loss-of-function variants in ALDH18A1 are known to be pathogenic (PMID: 21739576, 24913064, 28567303, 28604674, 29915212). The boundaries of this event are unknown as they extend beyond the assayed region for this gene and therefore may encompass additional genes.

Literature cited by the submitters: PubMed 21739576; PubMed 24913064; PubMed 28567303; PubMed 28604674; PubMed 29915212.